The following is an entry in ClinVar:

NM_000368.5(TSC1):c.1859T>C (p.Val620Ala)

Gene: TSC1 (TSC complex subunit 1; minus strand). Cytogenetic location: 9q34.13.
Variant type: single nucleotide variant.
Coding change: c.1859T>C on transcript NM_000368.5 (MANE Select); coding-DNA position 1859, T replaced by C.
Protein change: p.Val620Ala; replaces valine 620 with alanine.
Molecular consequence: missense variant. On other transcripts: non-coding transcript variant (5).
Genome position (GRCh38, 1-based): chr9:132,905,719, A>G on the plus strand (T>C on the coding strand, the complement: TSC1 is on the minus strand). VCF-style: chr9-132905719-A-G. GRCh37 (hg19) VCF-style: chr9-135781106-A-G.
Other names: c.1856T>C, p.Val619Ala (NM_001162426.2, NM_001406597.1, NM_001406598.1 and 6 more transcripts); c.1706T>C, p.Val569Ala (NM_001162427.2, NM_001406610.1); c.1496T>C, p.Val499Ala (NM_001362177.2, NM_001406619.1, NM_001406624.1 and 5 more transcripts); c.1859T>C, p.Val620Ala (NM_001406592.1, NM_001406593.1, NM_001406594.1 and 7 more transcripts); c.1493T>C, p.Val498Ala (NM_001406620.1, NM_001406621.1, NM_001406622.1 and 2 more transcripts); c.908T>C, p.Val303Ala (NM_001406626.1); c.905T>C, p.Val302Ala (NM_001406627.1, NM_001406628.1); c.806T>C, p.Val269Ala (NM_001406629.1, NM_001406630.1); and 1 more; short protein forms V499A, V619A, V302A, V568A, V569A, V303A, V498A, V269A.
Identifiers: ClinVar variation 2859940 (VCV002859940.3), dbSNP rs1392416235, ClinGen allele CA375363094.

ClinVar aggregate classification (germline): Uncertain significance (1 of 4 stars; one submission).

Conditions:
Tuberous sclerosis 1 (TSC1). Identifiers: Orphanet 805, MedGen C1854465, MONDO:0008612, OMIM 191100.

Allele frequency attached by ClinVar (database versions not stated): gnomAD exomes below 0.00001; TOPMed below 0.00001; gnomAD 0.00001.
gnomAD v4.1: 2 of 1,614,068 alleles (0.00012%); highest among the groups gnomAD compares: Non-Finnish European, 0.00017%; no homozygotes.

Submission:

Labcorp Genetics (formerly Invitae), Labcorp
Classification: Uncertain significance for Tuberous sclerosis 1. Last evaluated: 2023-04-28. Review status: criteria provided, single submitter. Criteria: Invitae Variant Classification Sherloc (09022015). Collection method: clinical testing. Allele origin: germline.
Comment: In summary, the available evidence is currently insufficient to determine the role of this variant in disease. Therefore, it has been classified as a Variant of Uncertain Significance. Advanced modeling of protein sequence and biophysical properties (such as structural, functional, and spatial information, amino acid conservation, physicochemical variation, residue mobility, and thermodynamic stability) performed at Invitae indicates that this missense variant is not expected to disrupt TSC1 protein function. This variant has not been reported in the literature in individuals affected with TSC1-related conditions. This variant is not present in population databases (gnomAD no frequency). This sequence change replaces valine, which is neutral and non-polar, with alanine, which is neutral and non-polar, at codon 620 of the TSC1 protein (p.Val620Ala).